The following is an entry in ClinVar:

NM_004260.4(RECQL4):c.2558G>A (p.Cys853Tyr)

Gene: RECQL4 (RecQ like helicase 4; minus strand). Cytogenetic location: 8q24.3.
Variant type: single nucleotide variant.
Coding change: c.2558G>A on transcript NM_004260.4 (MANE Select); coding-DNA position 2558, G replaced by A.
Protein change: p.Cys853Tyr; replaces cysteine 853 with tyrosine.
Molecular consequence: missense variant.
Genome position (GRCh38, 1-based): chr8:144,513,044, C>T on the plus strand (G>A on the coding strand, the complement: RECQL4 is on the minus strand). VCF-style: chr8-144513044-C-T. GRCh37 (hg19) VCF-style: chr8-145738427-C-T.
Other names: short protein forms C853Y.
Identifiers: ClinVar variation 406905 (VCV000406905.7), dbSNP rs998405899, ClinGen allele CA16612224.

ClinVar aggregate classification (germline): Uncertain significance (1 of 4 stars; one submission).

Conditions:
Baller-Gerold syndrome (BGS). Also called: CRANIOSYNOSTOSIS WITH RADIAL DEFECTS. Identifiers: Orphanet 1225, MedGen C0265308, MONDO:0009039, OMIM 218600.

Allele frequency attached by ClinVar (database versions not stated): gnomAD exomes 0.00001 and 0.00002; gnomAD 0.00002; TOPMed 0.00003.
gnomAD v4.1: 15 of 1,577,438 alleles (0.00095%); highest among the groups gnomAD compares: African/African-American, 0.016%; no homozygotes.

Submission:

Labcorp Genetics (formerly Invitae), Labcorp
Classification: Uncertain significance for Baller-Gerold syndrome. Last evaluated: 2024-04-15. Review status: criteria provided, single submitter. Criteria: Invitae Variant Classification Sherloc (09022015). Collection method: clinical testing. Allele origin: germline.
Comment: This sequence change replaces cysteine, which is neutral and slightly polar, with tyrosine, which is neutral and polar, at codon 853 of the RECQL4 protein (p.Cys853Tyr). This variant is present in population databases (no rsID available, gnomAD 0.03%). This variant has not been reported in the literature in individuals affected with RECQL4-related conditions. ClinVar contains an entry for this variant (Variation ID: 406905). Advanced modeling of protein sequence and biophysical properties (such as structural, functional, and spatial information, amino acid conservation, physicochemical variation, residue mobility, and thermodynamic stability) performed at Invitae indicates that this missense variant is expected to disrupt RECQL4 protein function with a positive predictive value of 80%. In summary, the available evidence is currently insufficient to determine the role of this variant in disease. Therefore, it has been classified as a Variant of Uncertain Significance.